The following is an entry in ClinVar:

ClinVar aggregate classification (germline): Benign/Likely benign. Review status: criteria provided, multiple submitters, no conflicts (2 of 4 stars). 3 submissions from 3 submitters: Benign (1); Likely benign (2). Last evaluated 2025-08-01.

Conditions:
Hereditary cancer-predisposing syndrome. Also called: Tumor predisposition; Hereditary Cancer Syndrome; Neoplastic Syndromes, Hereditary; Hereditary neoplastic syndrome. Identifiers: Orphanet 140162, MedGen C0027672, MeSH D009386, MONDO:0015356.
Breast-ovarian cancer, familial, susceptibility to, 4. Identifiers: Orphanet 145, MedGen C3280345, MONDO:0013669, OMIM 614291.

Submissions (3):

Labcorp Genetics (formerly Invitae), Labcorp
Classification: Likely benign for Breast-ovarian cancer, familial, susceptibility to, 4. Last evaluated: 2025-08-01. Review status: criteria provided, single submitter. Criteria: Invitae Variant Classification Sherloc (09022015). Collection method: clinical testing. Allele origin: germline.

Myriad Genetics, Inc.
Classification: Benign for Breast-ovarian cancer, familial, susceptibility to, 4. Last evaluated: 2025-02-25. Review status: criteria provided, single submitter. Criteria: Myriad Autosomal Dominant, Autosomal Recessive and X-Linked Classification Criteria (2023). Collection method: clinical testing. Allele origin: unknown.
Comment: This variant is considered benign. This variant is a silent/synonymous amino acid change and it is not expected to impact splicing.

Ambry Genetics
Classification: Likely benign for Hereditary cancer-predisposing syndrome. Last evaluated: 2019-06-09. Review status: criteria provided, single submitter. Criteria: Ambry Variant Classification Scheme 2023. Collection method: clinical testing. Allele origin: germline.

NM_002878.4(RAD51D):c.984A>G (p.Thr328=)

Genes: RAD51D (RAD51 paralog D; minus strand), RAD51L3-RFFL (RAD51L3-RFFL readthrough; minus strand). Cytogenetic location: 17q12.
Variant type: single nucleotide variant.
Coding change: c.984A>G on transcript NM_002878.4 (MANE Select); coding-DNA position 984, A replaced by G.
Protein change: p.Thr328=; no amino-acid change (threonine 328 retained).
Molecular consequence: synonymous variant. On other transcripts: non-coding transcript variant (2).
Genome position (GRCh38, 1-based): chr17:35,100,956, T>C on the plus strand (A>G on the coding strand, the complement: RAD51D is on the minus strand). VCF-style: chr17-35100956-T-C. GRCh37 (hg19) VCF-style: chr17-33427975-T-C.
Other names: c.1044A>G, p.Thr348= (NM_001142571.2); c.648A>G, p.Thr216= (NM_133629.3).
Identifiers: ClinVar variation 823505 (VCV000823505.10), dbSNP rs1597855297, ClinGen allele CA499728573.
Genomic context (GRCh38, chr17:35,100,956, plus strand): 5'-GAAGAAAAGTTGGGAGGGGTCCCCAATGCTTCCCTGTTTCCCAAACAACAGCACAGGTCA[T>C]GTCTGATCACCCTGTAATGTGGCACTCTGCTCTGAGGTCCCCCAGGTCCCAATGTCTACC-3'
Protein context (NP_002869.3, residues 318-328): EQSATLQGDQ[Thr328=]